The following is an entry in ClinVar:

ClinVar aggregate classification (germline): Uncertain significance (1 of 4 stars; one submission).

Allele frequency attached by ClinVar (database versions not stated): gnomAD 0.00001; ExAC 0.00002.

Submission:

Mayo Clinic Laboratories, Mayo Clinic
Classification: Uncertain significance. Last evaluated: 2022-12-15. Review status: criteria provided, single submitter. Criteria: ACMG Guidelines, 2015. Collection method: clinical testing. Allele origin: germline. Observed: 1 variant allele.
Comment: BP4

NM_004407.4(DMP1):c.209C>G (p.Thr70Ser)

Genes: DMP1 (dentin matrix acidic phosphoprotein 1; plus strand), DMP1-AS1 (DMP1 and DSPP antisense RNA 1; minus strand). Cytogenetic location: 4q22.1.
Variant type: single nucleotide variant.
Coding change: c.209C>G on transcript NM_004407.4 (MANE Select); coding-DNA position 209, C replaced by G.
Protein change: p.Thr70Ser; replaces threonine 70 with serine.
Molecular consequence: missense variant.
Genome position (GRCh38, 1-based): chr4:87,661,987, C>G. VCF-style: chr4-87661987-C-G. GRCh37 (hg19) VCF-style: chr4-88583139-C-G.
Other names: p.Thr70Ser; c.161C>G, p.Thr54Ser (NM_001079911.3); short protein forms T54S, T70S.
Identifiers: ClinVar variation 2682863 (VCV002682863.1), dbSNP rs760564694, ClinGen allele CA3001992.